The following is an entry in ClinVar:

ClinVar aggregate classification (germline): Uncertain significance (1 of 4 stars; one submission).

Submission:

Labcorp Genetics (formerly Invitae), Labcorp
Classification: Uncertain significance. Last evaluated: 2023-02-26. Review status: criteria provided, single submitter. Criteria: Invitae Variant Classification Sherloc (09022015). Collection method: clinical testing. Allele origin: germline.
Comment: In summary, the available evidence is currently insufficient to determine the role of this variant in disease. Therefore, it has been classified as a Variant of Uncertain Significance. Experimental studies and prediction algorithms are not available or were not evaluated, and the functional significance of this variant is currently unknown. ClinVar contains an entry for this variant (Variation ID: 1508125). This variant has not been reported in the literature in individuals affected with TIMM8A-related conditions. Information on the frequency of this variant in the gnomAD database is not available, as this variant may be reported differently in the database. This sequence change replaces histidine, which is basic and polar, with tyrosine, which is neutral and polar, at codon 37 of the TIMM8A protein (p.His37Tyr).

NM_004085.4(TIMM8A):c.108_109delinsTT (p.His37Tyr)

Gene: TIMM8A (translocase of inner mitochondrial membrane 8A; minus strand). Cytogenetic location: Xq22.1.
Variant type: Indel.
Coding change: c.108_109delinsTT on transcript NM_004085.4 (MANE Select); coding-DNA positions 108 to 109, GC replaced by TT.
Protein change: p.His37Tyr; replaces histidine 37 with tyrosine.
Molecular consequence: missense variant.
Genome position (GRCh38, 1-based): chrX:101,348,556-101,348,557, GC replaced by AA on the plus strand (GC replaced by TT on the coding strand, the reverse complement: TIMM8A is on the minus strand). VCF-style: chrX-101348556-GC-AA. GRCh37 (hg19) VCF-style: chrX-100603544-GC-AA.
Other names: c.108_109delinsTT, p.His37Tyr (NM_001145951.2); short protein forms H37Y.
Identifiers: ClinVar variation 1508125 (VCV001508125.8), dbSNP rs2147418099, ClinGen allele CA2573159062.
Genomic context (GRCh38, chrX:101,348,556, plus strand): 5'-AGGTACAGTGTTCAGGTCCCAGCCCCAGGCTCCTCACCCAACAAAGTTCAGTCATCTGGT[GC>AA]ACCAGCTGCTGGAAGCGCTGCTTTTGAGTCTCTACCTCGATGAAATGCTGCAACTGCGGG-3'
Protein context (NP_004076.1, residues 27-47): TQKQRFQQLV[His37Tyr]QMTELCWEKC